The following is an entry in ClinVar:

ClinVar aggregate classification (germline): Uncertain significance. Review status: criteria provided, multiple submitters, no conflicts (2 of 4 stars). 2 submissions from 2 submitters: Uncertain significance (2). Last evaluated 2024-09-30.

Submissions (2):

Blueprint Genetics
Classification: Uncertain significance. Last evaluated: 2024-09-30. Review status: criteria provided, single submitter. Criteria: ACMG Guidelines, 2015. Collection method: clinical testing. Allele origin: germline.

Labcorp Genetics (formerly Invitae), Labcorp
Classification: Uncertain significance. Last evaluated: 2021-09-03. Review status: criteria provided, single submitter. Criteria: Invitae Variant Classification Sherloc (09022015). Collection method: clinical testing. Allele origin: germline.
Comment: This variant, c.2342_2344del, results in the deletion of 1 amino acid(s) of the CDHR1 protein (p.Asn781del), but otherwise preserves the integrity of the reading frame. This variant is present in population databases (rs770949432, ExAC 0.02%). This variant has not been reported in the literature in individuals affected with CDHR1-related conditions. Experimental studies and prediction algorithms are not available or were not evaluated, and the functional significance of this variant is currently unknown. In summary, the available evidence is currently insufficient to determine the role of this variant in disease. Therefore, it has been classified as a Variant of Uncertain Significance.

NM_033100.4(CDHR1):c.2336ACA[2] (p.Asn781del)

Gene: CDHR1 (cadherin related family member 1; plus strand). Cytogenetic location: 10q23.1.
Variant type: Microsatellite.
Coding change: c.2336ACA[2] on transcript NM_033100.4 (MANE Select); two copies in a row of the 3-base unit ACA starting at c.2336; the reference has three copies in a row; one copy, 3 bases deleted.
Protein change: p.Asn781del; deletes asparagine 781.
Molecular consequence: inframe deletion. On other transcripts: intron variant (1).
Genome position (GRCh38, 1-based): chr10:84,214,383-84,214,385, ACA deleted; deleting any 3 consecutive bases within chr10:84,214,376-84,214,385 gives the same sequence; the position shown is the placement nearest the transcript's 3' end. VCF-style (leftmost placement, unchanged base first): chr10-84214375-TAAC-T. GRCh37 (hg19) VCF-style: chr10-85974131-TAAC-T.
Other names: c.2040+1028AAC[2] (NM_001171971.3); short protein forms N781del.
Identifiers: ClinVar variation 934256 (VCV000934256.8), dbSNP rs770949432, ClinGen allele CA5580203.